The following is an entry in ClinVar:

ClinVar aggregate classification (germline): Uncertain significance (1 of 4 stars; one submission).

Conditions:
Nephronophthisis. Also called: Juvenile Nephronophthisis. Identifiers: Orphanet 655, MedGen C0687120, MONDO:0019005, HP:0000090.

Submission:

Labcorp Genetics (formerly Invitae), Labcorp
Classification: Uncertain significance for Nephronophthisis. Last evaluated: 2022-01-26. Review status: criteria provided, single submitter. Criteria: Invitae Variant Classification Sherloc (09022015). Collection method: clinical testing. Allele origin: germline.
Comment: This sequence change falls in intron 21 of the NPHP3 gene. It does not directly change the encoded amino acid sequence of the NPHP3 protein. This variant is not present in population databases (gnomAD no frequency). In summary, the available evidence is currently insufficient to determine the role of this variant in disease. Therefore, it has been classified as a Variant of Uncertain Significance. Algorithms developed to predict the effect of sequence changes on RNA splicing suggest that this variant may create or strengthen a splice site. This variant has not been reported in the literature in individuals affected with NPHP3-related conditions.

NM_153240.5(NPHP3):c.3125+15A>G

Genes: NPHP3 (nephrocystin 3; minus strand), NPHP3-ACAD11 (NPHP3-ACAD11 readthrough (NMD candidate); minus strand). Cytogenetic location: 3q22.1.
Variant type: single nucleotide variant.
Coding change: c.3125+15A>G on transcript NM_153240.5 (MANE Select); 15 bases into the intron after coding-DNA position 3125, A replaced by G.
Molecular consequence: intron variant.
Genome position (GRCh38, 1-based): chr3:132,688,635, T>C on the plus strand (A>G on the coding strand, the complement: NPHP3 is on the minus strand). VCF-style: chr3-132688635-T-C. GRCh37 (hg19) VCF-style: chr3-132407479-T-C.
Identifiers: ClinVar variation 2075398 (VCV002075398.4), dbSNP rs2530394565, ClinGen allele CA2580068790.